The following is an entry in ClinVar:

ClinVar aggregate classification (germline): Uncertain significance (1 of 4 stars; one submission).

Submission:

Labcorp Genetics (formerly Invitae), Labcorp
Classification: Uncertain significance. Last evaluated: 2021-05-14. Review status: criteria provided, single submitter. Criteria: Invitae Variant Classification Sherloc (09022015). Collection method: clinical testing. Allele origin: germline.
Comment: In summary, the available evidence is currently insufficient to determine the role of this variant in disease. Therefore, it has been classified as a Variant of Uncertain Significance. Algorithms developed to predict the effect of missense changes on protein structure and function (SIFT, PolyPhen-2, Align-GVGD) all suggest that this variant is likely to be disruptive, but these predictions have not been confirmed by published functional studies and their clinical significance is uncertain. This variant has not been reported in the literature in individuals with RHO-related conditions. This variant is not present in population databases (ExAC no frequency). This sequence change replaces leucine with proline at codon 172 of the RHO protein (p.Leu172Pro). The leucine residue is highly conserved and there is a moderate physicochemical difference between leucine and proline.

NM_000539.3(RHO):c.515T>C (p.Leu172Pro)

Gene: RHO (rhodopsin; plus strand). Cytogenetic location: 3q22.1.
Variant type: single nucleotide variant.
Coding change: c.515T>C on transcript NM_000539.3 (MANE Select); coding-DNA position 515, T replaced by C.
Protein change: p.Leu172Pro; replaces leucine 172 with proline.
Molecular consequence: missense variant.
Genome position (GRCh38, 1-based): chr3:129,531,029, T>C. VCF-style: chr3-129531029-T-C. GRCh37 (hg19) VCF-style: chr3-129249872-T-C.
Other names: short protein forms L172P.
Identifiers: ClinVar variation 1039070 (VCV001039070.9), dbSNP rs2084776200, ClinGen allele CA354498744.